The following is an entry in ClinVar:

ClinVar aggregate classification (germline): Uncertain significance (1 of 4 stars; one submission).

Conditions:
Hereditary cancer-predisposing syndrome. Also called: Tumor predisposition; Neoplastic Syndromes, Hereditary; Hereditary Cancer Syndrome; Hereditary neoplastic syndrome. Identifiers: Orphanet 140162, MedGen C0027672, MeSH D009386, MONDO:0015356.

Submission:

Ambry Genetics
Classification: Uncertain significance for Hereditary cancer-predisposing syndrome. Last evaluated: 2025-01-14. Review status: criteria provided, single submitter. Criteria: Ambry Variant Classification Scheme 2023. Collection method: clinical testing. Allele origin: germline.
Comment: The p.A220G variant (also known as c.659C>G), located in coding exon 4 of the PDGFRA gene, results from a C to G substitution at nucleotide position 659. The alanine at codon 220 is replaced by glycine, an amino acid with similar properties. This amino acid position is conserved. In addition, this alteration is predicted to be tolerated by in silico analysis. Based on the available evidence, the clinical significance of this variant remains unclear.

NM_006206.6(PDGFRA):c.659C>G (p.Ala220Gly)

Gene: PDGFRA (platelet derived growth factor receptor alpha; plus strand). Cytogenetic location: 4q12.
Variant type: single nucleotide variant.
Coding change: c.659C>G on transcript NM_006206.6 (MANE Select); coding-DNA position 659, C replaced by G.
Protein change: p.Ala220Gly; replaces alanine 220 with glycine.
Molecular consequence: missense variant.
Genome position (GRCh38, 1-based): chr4:54,264,949, C>G. VCF-style: chr4-54264949-C-G. GRCh37 (hg19) VCF-style: chr4-55131116-C-G.
Other names: c.659C>G, p.Ala220Gly (NM_001347827.2, NM_001347829.2); c.734C>G, p.Ala245Gly (NM_001347828.2); c.698C>G, p.Ala233Gly (NM_001347830.2); short protein forms A220G, A233G, A245G.
Identifiers: ClinVar variation 3887351 (VCV003887351.1).